The following is an entry in ClinVar:

ClinVar aggregate classification (germline): Uncertain significance. Review status: criteria provided, multiple submitters, no conflicts (2 of 4 stars). 2 submissions from 2 submitters: Uncertain significance (2). Last evaluated 2023-12-12.

Conditions:
Inborn genetic diseases. Identifiers: MedGen C0950123, MeSH D030342.
Developmental and epileptic encephalopathy, 12 (DEE12). Identifiers: MedGen C3150988, MONDO:0013389, OMIM 613722.

Allele frequency attached by ClinVar (database versions not stated): gnomAD exomes below 0.00001; TOPMed below 0.00001.
gnomAD v4.1: 4 of 1,608,250 alleles (0.00025%); highest among the groups gnomAD compares: Non-Finnish European, 0.00034%; no homozygotes.

Submissions (2):

Ambry Genetics
Classification: Uncertain significance for Inborn genetic diseases. Last evaluated: 2023-12-12. Review status: criteria provided, single submitter. Criteria: Ambry Variant Classification Scheme 2023. Collection method: clinical testing. Allele origin: germline.

Labcorp Genetics (formerly Invitae), Labcorp
Classification: Uncertain significance for Developmental and epileptic encephalopathy, 12. Last evaluated: 2021-12-24. Review status: criteria provided, single submitter. Criteria: Invitae Variant Classification Sherloc (09022015). Collection method: clinical testing. Allele origin: germline.
Comment: This sequence change replaces methionine, which is neutral and non-polar, with leucine, which is neutral and non-polar, at codon 592 of the PLCB1 protein (p.Met592Leu). This variant is present in population databases (no rsID available, gnomAD 0.007%). This variant has not been reported in the literature in individuals affected with PLCB1-related conditions. Algorithms developed to predict the effect of missense changes on protein structure and function (SIFT, PolyPhen-2, Align-GVGD) all suggest that this variant is likely to be tolerated. In summary, the available evidence is currently insufficient to determine the role of this variant in disease. Therefore, it has been classified as a Variant of Uncertain Significance.

NM_015192.4(PLCB1):c.1774A>T (p.Met592Leu)

Gene: PLCB1 (phospholipase C beta 1; plus strand). Cytogenetic location: 20p12.3.
Variant type: single nucleotide variant.
Coding change: c.1774A>T on transcript NM_015192.4 (MANE Select); coding-DNA position 1774, A replaced by T.
Protein change: p.Met592Leu; replaces methionine 592 with leucine.
Molecular consequence: missense variant.
Genome position (GRCh38, 1-based): chr20:8,729,060, A>T. VCF-style: chr20-8729060-A-T. GRCh37 (hg19) VCF-style: chr20-8709707-A-T.
Other names: c.1774A>T, p.Met592Leu (NM_182734.3); c.1774A>T (NM_015192.2); short protein forms M592L.
Identifiers: ClinVar variation 1475697 (VCV001475697.9), dbSNP rs1457373665, ClinGen allele CA408204328.
Genomic context (GRCh38, chr20:8,729,060, plus strand): 5'-TTGACTAAATATTTTTATAATTGTATTCACTACTTAACATGATGGTCCAGATATAACAAA[A>T]TGCAGCTTAGCAGGATATATCCAAAAGGAACACGTGTGGATTCATCCAACTATATGCCTC-3'
Protein context (NP_056007.1, residues 582-602): SPVEFVEYNK[Met592Leu]QLSRIYPKGT